The following is an entry in ClinVar:

ClinVar aggregate classification (germline): Uncertain significance. Review status: criteria provided, multiple submitters, no conflicts (2 of 4 stars). 4 submissions from 4 submitters: Uncertain significance (4). Last evaluated 2025-09-11.

Conditions:
DNAJC21-related disorder. Also called: DNAJC21-related condition.
Inborn genetic diseases. Identifiers: MedGen C0950123, MeSH D030342.

gnomAD v4.1: 21 of 1,613,250 alleles (0.0013%); highest among the groups gnomAD compares: African/African-American, 0.019%; no homozygotes.

Submissions (4):

Ambry Genetics
Classification: Uncertain significance for Inborn genetic diseases. Last evaluated: 2025-09-11. Review status: criteria provided, single submitter. Criteria: Ambry Variant Classification Scheme 2023. Collection method: clinical testing. Allele origin: germline.

PreventionGenetics, part of Exact Sciences
Classification: Uncertain significance for DNAJC21-related condition. Last evaluated: 2025-08-26. Review status: criteria provided, single submitter. Criteria: ACMG Guidelines, 2015. Collection method: clinical testing. Allele origin: germline.
Comment: The DNAJC21 c.848C>T variant is predicted to result in the amino acid substitution p.Ser283Leu. To our knowledge, this variant has not been reported in the literature. This variant is reported in 0.020% of alleles in individuals of African descent in gnomAD. At this time, the clinical significance of this variant is uncertain due to the absence of conclusive functional and genetic evidence.

Labcorp Genetics (formerly Invitae), Labcorp
Classification: Uncertain significance. Last evaluated: 2022-09-07. Review status: criteria provided, single submitter. Criteria: Invitae Variant Classification Sherloc (09022015). Collection method: clinical testing. Allele origin: germline.
Comment: This sequence change replaces serine, which is neutral and polar, with leucine, which is neutral and non-polar, at codon 283 of the DNAJC21 protein (p.Ser283Leu). This variant is present in population databases (rs758003234, gnomAD 0.02%). This variant has not been reported in the literature in individuals affected with DNAJC21-related conditions. ClinVar contains an entry for this variant (Variation ID: 1308264). Algorithms developed to predict the effect of missense changes on protein structure and function are either unavailable or do not agree on the potential impact of this missense change (SIFT: "Deleterious"; PolyPhen-2: "Benign"; Align-GVGD: "Class C15"). In summary, the available evidence is currently insufficient to determine the role of this variant in disease. Therefore, it has been classified as a Variant of Uncertain Significance.

GeneDx
Classification: Uncertain significance. Last evaluated: 2019-03-28. Review status: criteria provided, single submitter. Criteria: GeneDx Variant Classification Process June 2021. Collection method: clinical testing. Allele origin: germline. Affected: yes.
Comment: In silico analysis, which includes protein predictors and evolutionary conservation, supports that this variant does not alter protein structure/function; Has not been previously published as pathogenic or benign to our knowledge

NM_001012339.3(DNAJC21):c.848C>T (p.Ser283Leu)

Gene: DNAJC21 (DnaJ heat shock protein family (Hsp40) member C21; plus strand). Cytogenetic location: 5p13.2.
Variant type: single nucleotide variant.
Coding change: c.848C>T on transcript NM_001012339.3 (MANE Select); coding-DNA position 848, C replaced by T.
Protein change: p.Ser283Leu; replaces serine 283 with leucine.
Molecular consequence: missense variant.
Genome position (GRCh38, 1-based): chr5:34,938,962, C>T. VCF-style: chr5-34938962-C-T. GRCh37 (hg19) VCF-style: chr5-34939067-C-T.
Other names: c.848C>T, p.Ser283Leu (NM_001348420.2, NM_194283.4); c.848C>T (NM_194283.3); short protein forms S283L.
Identifiers: ClinVar variation 1308264 (VCV001308264.8), dbSNP rs758003234, ClinGen allele CA3228597.